The following is an entry in ClinVar:

NM_001903.5(CTNNA1):c.1144-7T>C

Gene: CTNNA1 (catenin alpha 1; plus strand). Cytogenetic location: 5q31.2.
Variant type: single nucleotide variant.
Coding change: c.1144-7T>C on transcript NM_001903.5 (MANE Select); 7 bases into the intron before coding-DNA position 1144, T replaced by C.
Molecular consequence: intron variant.
Genome position (GRCh38, 1-based): chr5:138,887,483, T>C. VCF-style: chr5-138887483-T-C. GRCh37 (hg19) VCF-style: chr5-138223172-T-C.
Other names: c.1144-7T>C (NM_001323982.2, NM_001323984.2, NM_001290307.3 and 3 more transcripts); c.775-7T>C (NM_001290310.3); c.835-7T>C (NM_001290309.3); c.34-7T>C (NM_001323996.1, NM_001323993.1, NM_001324005.1 and 18 more transcripts); c.-364-7T>C (NM_001324007.1, NM_001324009.1, NM_001324006.1 and 1 more transcripts); c.-239-7T>C (NM_001324013.1); c.-58+11886T>C (NM_001324012.1); c.-61+11886T>C (NM_001324010.1).
Identifiers: ClinVar variation 2027367 (VCV002027367.5), dbSNP rs948252023, ClinGen allele CA128238088.

ClinVar aggregate classification (germline): Likely benign. Review status: criteria provided, multiple submitters, no conflicts (2 of 4 stars). 2 submissions from 2 submitters: Likely benign (2). Last evaluated 2024-10-10.

Conditions:
Hereditary diffuse gastric adenocarcinoma (HDGC). Also called: DIFFUSE GASTRIC AND LOBULAR BREAST CANCER SYNDROME. Identifiers: Orphanet 26106, MedGen C1708349, MONDO:0007648, OMIM 137215.

Allele frequency attached by ClinVar (database versions not stated): gnomAD 0.00001.
gnomAD v4.1: 1 of 1,579,822 alleles (0.000063%); highest among the groups gnomAD compares: Non-Finnish European, 0.000086%; no homozygotes.

Submissions (2):

Myriad Genetics, Inc.
Classification: Likely benign for Hereditary diffuse gastric adenocarcinoma. Last evaluated: 2024-10-10. Review status: criteria provided, single submitter. Criteria: Myriad Autosomal Dominant, Autosomal Recessive and X-Linked Classification Criteria (2023). Collection method: clinical testing. Allele origin: unknown.
Comment: This variant is considered likely benign. This variant is intronic and is not expected to impact mRNA splicing.

Labcorp Genetics (formerly Invitae), Labcorp
Classification: Likely benign. Last evaluated: 2024-05-08. Review status: criteria provided, single submitter. Criteria: Invitae Variant Classification Sherloc (09022015). Collection method: clinical testing. Allele origin: germline.